The following is an entry in ClinVar:

ClinVar aggregate classification (germline): Uncertain significance. Review status: criteria provided, multiple submitters, no conflicts (2 of 4 stars). 2 submissions from 2 submitters: Uncertain significance (2). Last evaluated 2023-03-30.

Conditions:
Lymphoproliferative syndrome 2 (LPFS2). Also called: Combined immunodeficiency due to CD27 deficiency; CD27 DEFICIENCY. Identifiers: Orphanet 238505, MedGen C3554540, MONDO:0014054, OMIM 615122.

Allele frequency attached by ClinVar (database versions not stated): gnomAD 0.00002.

Submissions (2):

Revvity Omics, Revvity
Classification: Uncertain significance for Lymphoproliferative syndrome 2. Last evaluated: 2023-03-30. Review status: criteria provided, single submitter. Criteria: ACMG Guidelines, 2015. Collection method: clinical testing. Allele origin: germline.

Labcorp Genetics (formerly Invitae), Labcorp
Classification: Uncertain significance for Lymphoproliferative syndrome 2. Last evaluated: 2022-07-27. Review status: criteria provided, single submitter. Criteria: Invitae Variant Classification Sherloc (09022015). Collection method: clinical testing. Allele origin: germline.
Comment: This variant has not been reported in the literature in individuals affected with CD27-related conditions. Algorithms developed to predict the effect of missense changes on protein structure and function (SIFT, PolyPhen-2, Align-GVGD) all suggest that this variant is likely to be tolerated. In summary, the available evidence is currently insufficient to determine the role of this variant in disease. Therefore, it has been classified as a Variant of Uncertain Significance. This variant is present in population databases (no rsID available, gnomAD 0.03%). This sequence change replaces arginine, which is basic and polar, with glycine, which is neutral and non-polar, at codon 172 of the CD27 protein (p.Arg172Gly).

NM_001242.5(CD27):c.514C>G (p.Arg172Gly)

Genes: CD27 (CD27 molecule; plus strand), CD27-AS1 (CD27 antisense RNA 1; minus strand). Cytogenetic location: 12p13.31.
Variant type: single nucleotide variant.
Coding change: c.514C>G on transcript NM_001242.5 (MANE Select); coding-DNA position 514, C replaced by G.
Protein change: p.Arg172Gly; replaces arginine 172 with glycine.
Molecular consequence: missense variant. On other transcripts: non-coding transcript variant (1).
Genome position (GRCh38, 1-based): chr12:6,450,606, C>G. VCF-style: chr12-6450606-C-G. GRCh37 (hg19) VCF-style: chr12-6559772-C-G.
Other names: c.607C>G, p.Arg203Gly (NM_001413263.1); c.487C>G, p.Arg163Gly (NM_001413264.1); c.334C>G, p.Arg112Gly (NM_001413265.1); c.64C>G, p.Arg22Gly (NM_001413266.1, NM_001413267.1, NM_001413268.1); short protein forms R112G, R163G, R172G, R203G, R22G.
Identifiers: ClinVar variation 1713967 (VCV001713967.8), dbSNP rs760754193, ClinGen allele CA383550712.
Genomic context (GRCh38, chr12:6,450,606, plus strand): 5'-CTGGAGGCCAGGACAGCTGGGCACATGCAGACTCTGGCTGACTTCAGGCAGCTGCCTGCC[C>G]GGACTCTCTCTACCCACTGGCCACGTGAGTTTTCTCCTTAATCCCCACCGCTAGAGAGAA-3'
Protein context (NP_001233.2, residues 162-182): TLADFRQLPA[Arg172Gly]TLSTHWPPQR